The following is an entry in ClinVar:

ClinVar aggregate classification (germline): Uncertain significance. Review status: criteria provided, multiple submitters, no conflicts (2 of 4 stars). 5 submissions from 5 submitters: Uncertain significance (5). Last evaluated 2025-12-29.

Conditions:
Fanconi anemia complementation group J. Also called: BRIP1-Related Fanconi Anemia. Identifiers: Orphanet 84, MedGen C1836860, MONDO:0012187, OMIM 609054.
Familial cancer of breast. Also called: hereditary breast carcinoma; BREAST CANCER, FAMILIAL; Hereditary breast cancer. Identifiers: Orphanet 227535, MedGen C0346153, MONDO:0016419, OMIM 114480. Disease mechanism: loss of function.
Hereditary cancer-predisposing syndrome. Also called: Tumor predisposition; Hereditary Cancer Syndrome; Hereditary neoplastic syndrome; Neoplastic Syndromes, Hereditary. Identifiers: Orphanet 140162, MedGen C0027672, MeSH D009386, MONDO:0015356.

Submissions (5):

Center for Genomic Medicine, Rigshospitalet, Copenhagen University Hospital
Classification: Uncertain significance. Last evaluated: 2025-12-29. Review status: criteria provided, single submitter. Criteria: ACMG Guidelines, 2015. Collection method: clinical testing. Allele origin: germline.

Ambry Genetics
Classification: Uncertain significance for Hereditary cancer-predisposing syndrome. Last evaluated: 2025-06-24. Review status: criteria provided, single submitter. Criteria: Ambry Variant Classification Scheme 2023. Collection method: clinical testing. Allele origin: germline.
Comment: The c.1687_1689delGAT variant (also known as p.D563del) is located in coding exon 11 of the BRIP1 gene. This variant results from an in-frame GAT deletion at nucleotide positions 1687 to 1689. This results in the in-frame deletion of an aspartic acid at codon 563. This amino acid position is well conserved in available vertebrate species. In addition, the in silico prediction for this variant is inconclusive (Choi Y et al. PLoS ONE. 2012; 7(10):e46688). Based on the available evidence, the clinical significance of this variant remains unclear.

Labcorp Genetics (formerly Invitae), Labcorp
Classification: Uncertain significance for Familial cancer of breast; Fanconi anemia complementation group J. Last evaluated: 2024-08-01. Review status: criteria provided, single submitter. Criteria: Invitae Variant Classification Sherloc (09022015). Collection method: clinical testing. Allele origin: germline.
Comment: This variant, c.1687_1689del, results in the deletion of 1 amino acid(s) of the BRIP1 protein (p.Asp563del), but otherwise preserves the integrity of the reading frame. This variant is present in population databases (rs780590493, gnomAD 0.002%). This variant has not been reported in the literature in individuals affected with BRIP1-related conditions. ClinVar contains an entry for this variant (Variation ID: 234459). Experimental studies and prediction algorithms are not available or were not evaluated, and the functional significance of this variant is currently unknown. In summary, the available evidence is currently insufficient to determine the role of this variant in disease. Therefore, it has been classified as a Variant of Uncertain Significance.

GeneDx
Classification: Uncertain significance. Last evaluated: 2019-10-17. Review status: criteria provided, single submitter. Criteria: GeneDx Variant Classification Process June 2021. Collection method: clinical testing. Allele origin: germline. Affected: yes.
Comment: Not observed at a significant frequency in large population cohorts (Lek 2016); In-frame deletion of 1 amino acid in a non-repeat region; In silico analysis, which includes protein predictors and evolutionary conservation, supports a deleterious effect; Has not been previously published as pathogenic or benign to our knowledge

Color Diagnostics, LLC DBA Color Health
Classification: Uncertain significance for Hereditary cancer-predisposing syndrome. Last evaluated: 2018-11-22. Review status: criteria provided, single submitter. Criteria: ACMG Guidelines, 2015. Collection method: clinical testing. Allele origin: germline.

Literature cited by the submitters: PubMed 40507299 (cited by Center for Genomic Medicine, Rigshospitalet, Copenhagen University Hospital).

NM_032043.3(BRIP1):c.1687_1689del (p.Asp563del)

Gene: BRIP1 (BRCA1 interacting DNA helicase 1; minus strand). Cytogenetic location: 17q23.2.
Variant type: Deletion.
Coding change: c.1687_1689del on transcript NM_032043.3 (MANE Select); coding-DNA positions 1687 to 1689, 3 bases deleted (GAT; older notation c.1687_1689delGAT).
Protein change: p.Asp563del; deletes aspartic acid 563.
Molecular consequence: inframe deletion.
Genome position (GRCh38, 1-based): chr17:61,780,945-61,780,947, ATC deleted on the plus strand (GAT on the coding strand, the reverse complement: BRIP1 is on the minus strand); deleting any 3 consecutive bases within chr17:61,780,945-61,780,948 gives the same sequence; the c. name uses the placement nearest the transcript's 3' end. VCF-style (leftmost placement, unchanged base first): chr17-61780944-TATC-T. GRCh37 (hg19) VCF-style: chr17-59858305-TATC-T.
Other names: c.1687_1689delGAT (NM_032043.3, NM_032043.2); short protein forms D563del.
Identifiers: ClinVar variation 234459 (VCV000234459.32), dbSNP rs780590493, ClinGen allele CA8690686.
Genomic context (GRCh38, chr17:61,780,944, plus strand): 5'-TTTTCTGTCGTGAACGTTTCTTATTTTTTGGTAGAACCAACAACCCATTTTTGTCTGAAA[TATC>T]AATCTGATTTGTCCAGGAGTAAGTCTGTTGAATCGCAATTTTATAATCATCTGCAAATCT-3'